The following is an entry in ClinVar:

NM_001844.5(COL2A1):c.2566C>T (p.Gln856Ter)

Gene: COL2A1 (collagen type II alpha 1 chain; minus strand). Cytogenetic location: 12q13.11.
Variant type: single nucleotide variant.
Coding change: c.2566C>T on transcript NM_001844.5 (MANE Select); coding-DNA position 2566, C replaced by T.
Protein change: p.Gln856Ter; replaces glutamine 856 with a stop codon.
Molecular consequence: nonsense.
Genome position (GRCh38, 1-based): chr12:47,980,613, G>A on the plus strand (C>T on the coding strand, the complement: COL2A1 is on the minus strand). VCF-style: chr12-47980613-G-A. GRCh37 (hg19) VCF-style: chr12-48374396-G-A.
Other names: c.2359C>T, p.Gln787Ter (NM_033150.3); short protein forms Q856*, Q787*.
Identifiers: ClinVar variation 620211 (VCV000620211.1), dbSNP rs1565674604, ClinGen allele CA384544456.

ClinVar aggregate classification (germline): Pathogenic (1 of 4 stars; one submission).

Submission:

GeneDx
Classification: Pathogenic. Last evaluated: 2018-06-01. Review status: criteria provided, single submitter. Criteria: GeneDx Variant Classification (06012015). Collection method: clinical testing. Allele origin: germline. Affected: yes.
Comment: The Q856X variant in the COL2A1 gene has not been reported previously as a pathogenic variant nor as a benign variant, to our knowledge. This variant is predicted to cause loss of normal protein function either through protein truncation or nonsense-mediated mRNA decay. The Q856X variant is not observed in large population cohorts (Lek et al., 2016). / We interpret Q856X as a pathogenic variant.